The following is an entry in ClinVar:

ClinVar aggregate classification (germline): Uncertain significance (1 of 4 stars; one submission).

Submission:

GeneDx
Classification: Uncertain significance. Last evaluated: 2025-06-12. Review status: criteria provided, single submitter. Criteria: GeneDx Variant Classification Process June 2021. Collection method: clinical testing. Allele origin: germline. Affected: yes.
Comment: Frameshift variant predicted to result in abnormal protein length as the last 45 amino acid(s) are replaced with 16 different amino acid(s); Not observed at significant frequency in large population cohorts (gnomAD); Has not been previously published as pathogenic or benign to our knowledge

NM_017635.5(KMT5B):c.2521_2524del (p.Tyr841fs)

Gene: KMT5B (lysine methyltransferase 5B; minus strand). Cytogenetic location: 11q13.2.
Variant type: Deletion.
Coding change: c.2521_2524del on transcript NM_017635.5 (MANE Select); coding-DNA positions 2521 to 2524, 4 bases deleted (TATG; older notation c.2521_2524delTATG).
Protein change: p.Tyr841fs; shifts the reading frame from tyrosine 841.
Molecular consequence: frameshift variant.
Genome position (GRCh38, 1-based): chr11:68,157,822-68,157,825, CATA deleted on the plus strand (TATG on the coding strand, the reverse complement: KMT5B is on the minus strand). VCF-style (leftmost placement, unchanged base first): chr11-68157821-TCATA-T. GRCh37 (hg19) VCF-style: chr11-67925288-TCATA-T.
Other names: c.2005_2008del, p.Tyr669fs (NM_001300907.1, NM_001369428.1, NM_001369429.1 and 4 more transcripts); c.1801_1804del, p.Tyr601fs (NM_001300908.2); c.2521_2524del, p.Tyr841fs (NM_001369426.1); short protein forms Y601fs, Y669fs, Y841fs.
Identifiers: ClinVar variation 4537596 (VCV004537596.1).